The following is an entry in ClinVar:

ClinVar aggregate classification (germline): Uncertain significance. Review status: criteria provided, multiple submitters, no conflicts (2 of 4 stars). 2 submissions from 2 submitters: Uncertain significance (2). Last evaluated 2024-04-19.

Conditions:
Inborn genetic diseases. Identifiers: MedGen C0950123, MeSH D030342.
Mosaic variegated aneuploidy syndrome 1 (MVA1). Also called: Warburton-Anyane-Yeboa syndrome. Identifiers: Orphanet 1052, MedGen C1850343, MONDO:0009759, OMIM 257300.

Allele frequency attached by ClinVar (database versions not stated): gnomAD exomes 0.00001.
gnomAD v4.1: 20 of 1,614,150 alleles (0.0012%); highest among the groups gnomAD compares: Admixed American, 0.0033%; no homozygotes.

Submissions (2):

Ambry Genetics
Classification: Uncertain significance for Inborn genetic diseases. Last evaluated: 2024-04-19. Review status: criteria provided, single submitter. Criteria: Ambry Variant Classification Scheme 2023. Collection method: clinical testing. Allele origin: germline.
Comment: The p.R324C variant (also known as c.970C>T), located in coding exon 8 of the BUB1B gene, results from a C to T substitution at nucleotide position 970. The arginine at codon 324 is replaced by cysteine, an amino acid with highly dissimilar properties. This amino acid position is conserved. In addition, this alteration is predicted to be tolerated by in silico analysis. Since supporting evidence is limited at this time, the clinical significance of this alteration remains unclear.

Labcorp Genetics (formerly Invitae), Labcorp
Classification: Uncertain significance for Mosaic variegated aneuploidy syndrome 1. Last evaluated: 2022-10-21. Review status: criteria provided, single submitter. Criteria: Invitae Variant Classification Sherloc (09022015). Collection method: clinical testing. Allele origin: germline.
Comment: In summary, the available evidence is currently insufficient to determine the role of this variant in disease. Therefore, it has been classified as a Variant of Uncertain Significance. Algorithms developed to predict the effect of missense changes on protein structure and function are either unavailable or do not agree on the potential impact of this missense change (SIFT: "Tolerated"; PolyPhen-2: "Possibly Damaging"; Align-GVGD: "Class C0"). This variant has not been reported in the literature in individuals affected with BUB1B-related conditions. This variant is present in population databases (rs748360387, gnomAD 0.006%). This sequence change replaces arginine, which is basic and polar, with cysteine, which is neutral and slightly polar, at codon 324 of the BUB1B protein (p.Arg324Cys).

NM_001211.6(BUB1B):c.970C>T (p.Arg324Cys)

Gene: BUB1B (BUB1 mitotic checkpoint serine/threonine kinase B; plus strand). Cytogenetic location: 15q15.1.
Variant type: single nucleotide variant.
Coding change: c.970C>T on transcript NM_001211.6 (MANE Select); coding-DNA position 970, C replaced by T.
Protein change: p.Arg324Cys; replaces arginine 324 with cysteine.
Molecular consequence: missense variant.
Genome position (GRCh38, 1-based): chr15:40,185,554, C>T. VCF-style: chr15-40185554-C-T. GRCh37 (hg19) VCF-style: chr15-40477755-C-T.
Other names: short protein forms R324C.
Identifiers: ClinVar variation 1767938 (VCV001767938.8), dbSNP rs748360387, ClinGen allele CA7475617.